The following is an entry in ClinVar:

NM_006415.4(SPTLC1):c.1329-2A>T

Gene: SPTLC1 (serine palmitoyltransferase long chain base subunit 1; minus strand). Cytogenetic location: 9q22.31.
Variant type: single nucleotide variant.
Coding change: c.1329-2A>T on transcript NM_006415.4 (MANE Select); the canonical splice acceptor site of the intron before coding-DNA position 1329, A replaced by T.
Molecular consequence: splice acceptor variant. On other transcripts: intron variant (1).
Genome position (GRCh38, 1-based): chr9:92,032,560, T>A on the plus strand (A>T on the coding strand, the complement: SPTLC1 is on the minus strand). VCF-style: chr9-92032560-T-A. GRCh37 (hg19) VCF-style: chr9-94794842-T-A.
Other names: c.1329-34A>T (NM_001281303.2); c.963-2A>T (NM_001368272.1); c.864-2A>T (NM_001368273.1).
Identifiers: ClinVar variation 4086378 (VCV004086378.2).

ClinVar aggregate classification (germline): Uncertain significance. Review status: criteria provided, multiple submitters, no conflicts (2 of 4 stars). 2 submissions from 2 submitters: Uncertain significance (2). Last evaluated 2025-04-06.

Conditions:
Hereditary sensory and autonomic neuropathy type 1 (HSAN1). Also called: HSAN 1; HSN Type I; Hereditary Sensory Neuropathy Type I. Identifiers: Orphanet 36386, MedGen C0020071, MONDO:0018213.

Submissions (2):

Labcorp Genetics (formerly Invitae), Labcorp
Classification: Uncertain significance for Hereditary sensory and autonomic neuropathy type 1. Last evaluated: 2025-04-06. Review status: criteria provided, single submitter. Criteria: Invitae Variant Classification Sherloc (09022015). Collection method: clinical testing. Allele origin: germline.
Comment: This sequence change falls in intron 14 of the SPTLC1 gene. It does not directly change the encoded amino acid sequence of the SPTLC1 protein. It affects a nucleotide within the consensus splice site. This variant is not present in population databases (gnomAD no frequency). This variant has been observed in individual(s) with hereditary sensory and autonomic neuropathy (internal data). Variants that disrupt the consensus splice site are a relatively common cause of aberrant splicing (PMID: 17576681, 9536098). Algorithms developed to predict the effect of sequence changes on RNA splicing suggest that this variant may disrupt the consensus splice site. In summary, the available evidence is currently insufficient to determine the role of this variant in disease. Therefore, it has been classified as a Variant of Uncertain Significance.

GeneDx
Classification: Uncertain significance. Last evaluated: 2025-03-19. Review status: criteria provided, single submitter. Criteria: GeneDx Variant Classification Process June 2021. Collection method: clinical testing. Allele origin: germline. Affected: yes.
Comment: Not observed at significant frequency in large population cohorts (gnomAD); Has not been previously published as pathogenic or benign to our knowledge; Canonical splice site variant in a gene for which loss-of-function is not an established mechanism of disease

Literature cited by the submitters: PubMed 17576681 (cited by Labcorp Genetics (formerly Invitae), Labcorp); PubMed 9536098 (cited by Labcorp Genetics (formerly Invitae), Labcorp).